The following is an entry in ClinVar:

ClinVar aggregate classification (germline): Uncertain significance (1 of 4 stars; one submission).

Conditions:
Lafora disease. Also called: Epilepsy progressive myoclonic 2. Identifiers: Orphanet 501, MedGen C0751783, MONDO:0009697.

Allele frequency attached by ClinVar (database versions not stated): gnomAD 0.00001; TOPMed 0.00001; ESP Exome Variant Server 0.00008.

Submission:

Labcorp Genetics (formerly Invitae), Labcorp
Classification: Uncertain significance for Lafora disease. Last evaluated: 2024-01-15. Review status: criteria provided, single submitter. Criteria: Invitae Variant Classification Sherloc (09022015). Collection method: clinical testing. Allele origin: germline.
Comment: This sequence change replaces arginine, which is basic and polar, with glutamine, which is neutral and polar, at codon 252 of the NHLRC1 protein (p.Arg252Gln). This variant is present in population databases (rs371072212, gnomAD 0.007%). This variant has not been reported in the literature in individuals affected with NHLRC1-related conditions. ClinVar contains an entry for this variant (Variation ID: 566183). Advanced modeling of protein sequence and biophysical properties (such as structural, functional, and spatial information, amino acid conservation, physicochemical variation, residue mobility, and thermodynamic stability) performed at Invitae indicates that this missense variant is not expected to disrupt NHLRC1 protein function with a negative predictive value of 80%. In summary, the available evidence is currently insufficient to determine the role of this variant in disease. Therefore, it has been classified as a Variant of Uncertain Significance.

NM_198586.3(NHLRC1):c.755G>A (p.Arg252Gln)

Gene: NHLRC1 (NHL repeat containing E3 ubiquitin protein ligase 1; minus strand). Cytogenetic location: 6p22.3.
Variant type: single nucleotide variant.
Coding change: c.755G>A on transcript NM_198586.3 (MANE Select); coding-DNA position 755, G replaced by A.
Protein change: p.Arg252Gln; replaces arginine 252 with glutamine.
Molecular consequence: missense variant.
Genome position (GRCh38, 1-based): chr6:18,121,852, C>T on the plus strand (G>A on the coding strand, the complement: NHLRC1 is on the minus strand). VCF-style: chr6-18121852-C-T. GRCh37 (hg19) VCF-style: chr6-18122083-C-T.
Other names: short protein forms R252Q.
Identifiers: ClinVar variation 566183 (VCV000566183.9), dbSNP rs371072212, ClinGen allele CA3649941.